The following is an entry in ClinVar:

NM_001040108.2(MLH3):c.1923A>T (p.Thr641=)

Gene: MLH3 (mutL homolog 3; minus strand). Cytogenetic location: 14q24.3.
Variant type: single nucleotide variant.
Coding change: c.1923A>T on transcript NM_001040108.2 (MANE Select); coding-DNA position 1923, A replaced by T.
Protein change: p.Thr641=; no amino-acid change (threonine 641 retained).
Molecular consequence: synonymous variant.
Genome position (GRCh38, 1-based): chr14:75,047,733, T>A on the plus strand (A>T on the coding strand, the complement: MLH3 is on the minus strand). VCF-style: chr14-75047733-T-A. GRCh37 (hg19) VCF-style: chr14-75514436-T-A.
Other names: c.1923A>T, p.Thr641= (NM_014381.3).
Identifiers: ClinVar variation 1782721 (VCV001782721.3), dbSNP rs2503283063, ClinGen allele CA487273520.

ClinVar aggregate classification (germline): Benign/Likely benign. Review status: criteria provided, multiple submitters, no conflicts (2 of 4 stars). 2 submissions from 2 submitters: Benign (1); Likely benign (1). Last evaluated 2026-04-30.

Conditions:
Colorectal cancer, hereditary nonpolyposis, type 7. Identifiers: Orphanet 144, MedGen C1858380, MONDO:0013725, OMIM 614385.

Submissions (2):

Myriad Genetics, Inc.
Classification: Benign for Colorectal cancer, hereditary nonpolyposis, type 7. Last evaluated: 2026-04-30. Review status: criteria provided, single submitter. Criteria: Myriad Autosomal Dominant, Autosomal Recessive and X-Linked Classification Criteria (2023). Collection method: clinical testing. Allele origin: unknown.
Comment: This variant is considered benign. This variant is a silent/synonymous amino acid change and it is not expected to impact splicing.

Ambry Genetics
Classification: Likely benign. Last evaluated: 2019-11-29. Review status: criteria provided, single submitter. Criteria: Ambry Variant Classification Scheme 2023. Collection method: clinical testing. Allele origin: germline.